The following is an entry in ClinVar:

NM_000338.3(SLC12A1):c.2944A>G (p.Arg982Gly)

Gene: SLC12A1 (solute carrier family 12 member 1; plus strand). Cytogenetic location: 15q21.1.
Variant type: single nucleotide variant.
Coding change: c.2944A>G on transcript NM_000338.3 (MANE Select); coding-DNA position 2944, A replaced by G.
Protein change: p.Arg982Gly; replaces arginine 982 with glycine.
Molecular consequence: missense variant.
Genome position (GRCh38, 1-based): chr15:48,291,848, A>G. VCF-style: chr15-48291848-A-G. GRCh37 (hg19) VCF-style: chr15-48584045-A-G.
Other names: c.2944A>G (NM_000338.2); c.2944A>G, p.Arg982Gly (NM_001184832.2, NM_001384136.1); short protein forms R982G.
Identifiers: ClinVar variation 1718980 (VCV001718980.6), dbSNP rs1285331307, ClinGen allele CA392319777.

ClinVar aggregate classification (germline): Uncertain significance. Review status: criteria provided, multiple submitters, no conflicts (2 of 4 stars). 2 submissions from 2 submitters: Uncertain significance (2). Last evaluated 2025-05-19.

Conditions:
Inborn genetic diseases. Identifiers: MedGen C0950123, MeSH D030342.

Allele frequency attached by ClinVar (database versions not stated): gnomAD exomes below 0.00001.
gnomAD v4.1: 3 of 1,564,344 alleles (0.00019%); highest among the groups gnomAD compares: East Asian, 0.0047%; no homozygotes.

Submissions (2):

Labcorp Genetics (formerly Invitae), Labcorp
Classification: Uncertain significance. Last evaluated: 2025-05-19. Review status: criteria provided, single submitter. Criteria: Invitae Variant Classification Sherloc (09022015). Collection method: clinical testing. Allele origin: germline.
Comment: This sequence change replaces arginine, which is basic and polar, with glycine, which is neutral and non-polar, at codon 982 of the SLC12A1 protein (p.Arg982Gly). The frequency data for this variant in the population databases is considered unreliable, as metrics indicate poor data quality at this position in the gnomAD database. This variant has not been reported in the literature in individuals affected with SLC12A1-related conditions. ClinVar contains an entry for this variant (Variation ID: 1718980). Invitae Evidence Modeling of protein sequence and biophysical properties (such as structural, functional, and spatial information, amino acid conservation, physicochemical variation, residue mobility, and thermodynamic stability) has been performed for this missense variant. However, the output from this modeling did not meet the statistical confidence thresholds required to predict the impact of this variant on SLC12A1 protein function. In summary, the available evidence is currently insufficient to determine the role of this variant in disease. Therefore, it has been classified as a Variant of Uncertain Significance.

Ambry Genetics
Classification: Uncertain significance for Inborn genetic diseases. Last evaluated: 2023-05-31. Review status: criteria provided, single submitter. Criteria: Ambry Variant Classification Scheme 2023. Collection method: clinical testing. Allele origin: germline.